The following is an entry in ClinVar:

ClinVar aggregate classification (germline): Uncertain significance (1 of 4 stars; one submission).

Conditions:
Hypertrophic cardiomyopathy. Also called: HYPERTROPHIC MYOCARDIOPATHY. Identifiers: Orphanet 217569, MedGen C0007194, MeSH D002312, MONDO:0005045, HP:0001639.

Allele frequency attached by ClinVar (database versions not stated): gnomAD 0.00001; gnomAD exomes 0.00001; TOPMed 0.00001.

Submission:

Labcorp Genetics (formerly Invitae), Labcorp
Classification: Uncertain significance for Hypertrophic cardiomyopathy. Last evaluated: 2021-02-07. Review status: criteria provided, single submitter. Criteria: Invitae Variant Classification Sherloc (09022015). Collection method: clinical testing. Allele origin: germline.
Comment: This sequence change creates a premature translational stop signal (p.Glu375Serfs*20) in the MYOM1 gene. It is expected to result in an absent or disrupted protein product. However, the current clinical and genetic evidence is not sufficient to establish whether loss-of-function variants in MYOM1 cause disease. This variant is not present in population databases (ExAC no frequency). This variant has not been reported in the literature in individuals with MYOM1-related conditions. In summary, the available evidence is currently insufficient to determine the role of this variant in disease. Therefore, it has been classified as a Variant of Uncertain Significance.

NM_003803.4(MYOM1):c.1122del (p.Glu375fs)

Gene: MYOM1 (myomesin 1; minus strand). Cytogenetic location: 18p11.31.
Variant type: Deletion.
Coding change: c.1122del on transcript NM_003803.4 (MANE Select); coding-DNA position 1122, one base deleted (A; older notation c.1122delA).
Protein change: p.Glu375fs; shifts the reading frame from glutamic acid 375.
Molecular consequence: frameshift variant.
Genome position (GRCh38, 1-based): chr18:3,173,990, T deleted on the plus strand (A on the coding strand, the reverse complement: MYOM1 is on the minus strand). VCF-style (leftmost placement, unchanged base first): chr18-3173989-CT-C. GRCh37 (hg19) VCF-style: chr18-3173987-CT-C.
Other names: c.1122del, p.Glu375fs (NM_019856.2); short protein forms E375fs.
Identifiers: ClinVar variation 1417501 (VCV001417501.6), dbSNP rs1292871061, ClinGen allele CA778444721.